The following is an entry in ClinVar:

ClinVar aggregate classification (germline): Benign/Likely benign. Review status: criteria provided, multiple submitters, no conflicts (2 of 4 stars). 4 submissions from 4 submitters: Benign (3); Likely benign (1). Last evaluated 2026-02-02.

Conditions:
Neuropathy, hereditary sensory, type 2C. Also called: KIF1A-Related HSAN2 (HSAN2C); Hereditary sensory and autonomic neuropathy type IIC. Identifiers: Orphanet 970, MedGen C3280168, MONDO:0013634, OMIM 614213.
Intellectual disability, autosomal dominant 9 (NESCAVS). Also called: NESCAV SYNDROME; KIF1A-Related Neurodevelopmental Disorder. Identifiers: Orphanet 662367, MedGen C5393830, MONDO:0013656, OMIM 614255.
Hereditary spastic paraplegia 30. Identifiers: Orphanet 101010, MedGen C5235139, MONDO:0012476.

Submissions (4):

Labcorp Genetics (formerly Invitae), Labcorp
Classification: Benign for Hereditary spastic paraplegia 30; Neuropathy, hereditary sensory, type 2C; Intellectual disability, autosomal dominant 9. Last evaluated: 2026-02-02. Review status: criteria provided, single submitter. Criteria: Invitae Variant Classification Sherloc (09022015). Collection method: clinical testing. Allele origin: germline.

Blueprint Genetics
Classification: Likely benign. Last evaluated: 2024-11-26. Review status: criteria provided, single submitter. Criteria: ACMG Guidelines, 2015. Collection method: clinical testing. Allele origin: germline.

GeneDx
Classification: Benign. Last evaluated: 2018-06-14. Review status: criteria provided, single submitter. Criteria: GeneDx Variant Classification (06012015). Collection method: clinical testing. Allele origin: germline. Affected: yes.
Comment: This variant is considered likely benign or benign based on one or more of the following criteria: it is a conservative change, it occurs at a poorly conserved position in the protein, it is predicted to be benign by multiple in silico algorithms, and/or has population frequency not consistent with disease.

Breakthrough Genomics
Classification: Benign. Review status: criteria provided, single submitter. Criteria: ACMG Guidelines, 2015. Collection method: not provided. Allele origin: germline. Inheritance: Autosomal recessive inheritance. Affected: yes.

NM_001244008.2(KIF1A):c.363+16C>G

Gene: KIF1A (kinesin family member 1A; minus strand). Cytogenetic location: 2q37.3.
Variant type: single nucleotide variant.
Coding change: c.363+16C>G on transcript NM_001244008.2 (MANE Select); 16 bases into the intron after coding-DNA position 363, C replaced by G.
Molecular consequence: intron variant.
Genome position (GRCh38, 1-based): chr2:240,788,035, G>C on the plus strand (C>G on the coding strand, the complement: KIF1A is on the minus strand). VCF-style: chr2-240788035-G-C. GRCh37 (hg19) VCF-style: chr2-241727452-G-C.
Other names: c.363+16C>G (NM_001379653.1, NM_001379650.1, NM_001379645.1 and 20 more transcripts).
Identifiers: ClinVar variation 676585 (VCV000676585.8), dbSNP rs7594569, ClinGen allele CA2208827.